The following is an entry in ClinVar:

ClinVar aggregate classification (germline): Uncertain significance. Review status: criteria provided, multiple submitters, no conflicts (2 of 4 stars). 2 submissions from 2 submitters: Uncertain significance (2). Last evaluated 2024-12-01.

Conditions:
TNC-related disorder. Also called: TNC-related condition.

Allele frequency attached by ClinVar (database versions not stated): gnomAD 0.00001; TOPMed 0.00002; ESP Exome Variant Server 0.00008.

Submissions (2):

PreventionGenetics, part of Exact Sciences
Classification: Uncertain significance for TNC-related condition. Last evaluated: 2024-12-01. Review status: criteria provided, single submitter. Criteria: ACMG Guidelines, 2015. Collection method: clinical testing. Allele origin: germline.
Comment: The TNC c.5299G>T variant is predicted to result in the amino acid substitution p.Val1767Leu. To our knowledge, this variant has not been reported in the literature. This variant is reported in 0.0062% of alleles in individuals of African descent in gnomAD. At this time, the clinical significance of this variant is uncertain due to the absence of conclusive functional and genetic evidence.

Ambry Genetics
Classification: Uncertain significance. Last evaluated: 2024-01-16. Review status: criteria provided, single submitter. Criteria: Ambry Variant Classification Scheme 2023. Collection method: clinical testing. Allele origin: germline.

NM_002160.4(TNC):c.5299G>T (p.Val1767Leu)

Gene: TNC (tenascin C; minus strand). Cytogenetic location: 9q33.1.
Variant type: single nucleotide variant.
Coding change: c.5299G>T on transcript NM_002160.4 (MANE Select); coding-DNA position 5299, G replaced by T.
Protein change: p.Val1767Leu; replaces valine 1767 with leucine.
Molecular consequence: missense variant.
Genome position (GRCh38, 1-based): chr9:115,041,034, C>A on the plus strand (G>T on the coding strand, the complement: TNC is on the minus strand). VCF-style: chr9-115041034-C-A. GRCh37 (hg19) VCF-style: chr9-117803313-C-A.
Other names: c.4753G>T, p.Val1585Leu (NM_001410991.1); short protein forms V1585L, V1767L.
Identifiers: ClinVar variation 3180138 (VCV003180138.2), dbSNP rs375283743, ClinGen allele CA5207692.